The following is an entry in ClinVar:

ClinVar aggregate classification (germline): Pathogenic (1 of 4 stars; one submission).

Submission:

Labcorp Genetics (formerly Invitae), Labcorp
Classification: Pathogenic. Last evaluated: 2023-02-16. Review status: criteria provided, single submitter. Criteria: Invitae Variant Classification Sherloc (09022015). Collection method: clinical testing. Allele origin: germline.
Comment: This variant is not present in population databases (gnomAD no frequency). This sequence change creates a premature translational stop signal (p.Pro291Hisfs*10) in the CYP2R1 gene. It is expected to result in an absent or disrupted protein product. Loss-of-function variants in CYP2R1 are known to be pathogenic (PMID: 15128933, 22855339, 25942481, 33715104). This variant has not been reported in the literature in individuals affected with CYP2R1-related conditions. For these reasons, this variant has been classified as Pathogenic.

Literature cited by the submitters: PubMed 15128933; PubMed 22855339; PubMed 25942481; PubMed 33715104.

NM_024514.5(CYP2R1):c.872del (p.Pro291fs)

Genes: CYP2R1 (cytochrome P450 family 2 subfamily R member 1; minus strand), PDE3B (phosphodiesterase 3B; plus strand). Cytogenetic location: 11p15.2.
Variant type: Deletion.
Coding change: c.872del on transcript NM_024514.5 (MANE Select); coding-DNA position 872, one base deleted (C; older notation c.872delC).
Protein change: p.Pro291fs; shifts the reading frame from proline 291.
Molecular consequence: frameshift variant. On other transcripts: non-coding transcript variant (8), intron variant (1).
Genome position (GRCh38, 1-based): chr11:14,880,264, G deleted on the plus strand (C on the coding strand, the reverse complement: CYP2R1 is on the minus strand); the first of 3 consecutive G bases (chr11:14,880,264-14,880,266); deleting any one gives the same sequence. VCF-style (leftmost placement, unchanged base first): chr11-14880263-TG-T. GRCh37 (hg19) VCF-style: chr11-14901809-TG-T.
Other names: c.527del, p.Pro176fs (NM_001377214.1, NM_001377215.1, NM_001377216.1 and 5 more transcripts); c.710del, p.Pro237fs (NM_001377217.1); c.173del, p.Pro58fs (NM_001400562.1, NM_001400563.1, NM_001400564.1 and 1 more transcripts); c.728del, p.Pro243fs (NM_001400567.1); c.827del, p.Pro276fs (NM_001400568.1); c.23-821del (NM_001400566.1); short protein forms P237fs, P243fs, P58fs, P176fs, P276fs, P291fs.
Identifiers: ClinVar variation 2873273 (VCV002873273.3), dbSNP rs1848324903, ClinGen allele CA1953974597.
Genomic context (GRCh38, chr11:14,880,263, plus strand): 5'-TCCAGCAATGATGAGTTCACCCACTGAGAAAATTAGGTTTTCTTTGGAGAAAGTAGATGA[TG>T]GGTCATTTTTACCTTGATCCATCTCATCTAAATAAGCATCAACAAAATGCTGAGGTAGCT-3'